The following is an entry in ClinVar:

ClinVar aggregate classification (germline): Conflicting classifications of pathogenicity. Review status: criteria provided, conflicting classifications (1 of 4 stars). 4 submissions from 4 submitters: Uncertain significance (3); Likely benign (1). Last evaluated 2023-10-27.

Conditions:
Inborn genetic diseases. Identifiers: MedGen C0950123, MeSH D030342.
Inherited glutathione synthetase deficiency. Identifiers: Orphanet 32, MedGen C5979912, MONDO:0017909.

Allele frequency attached by ClinVar (database versions not stated): gnomAD exomes 0.00004 and 0.00012; ExAC 0.00013; ESP Exome Variant Server 0.00031; gnomAD 0.00037 and 0.00040; 1000 Genomes Project 0.00040; TOPMed 0.00045; 1000 Genomes Project 30x 0.00047.
gnomAD v4.1: 116 of 1,585,406 alleles (0.0073%); highest among the groups gnomAD compares: African/African-American, 0.12%; no homozygotes.

Submissions (4):

ARUP Laboratories, Molecular Genetics and Genomics, ARUP Laboratories
Classification: Uncertain significance. Last evaluated: 2023-10-27. Review status: criteria provided, single submitter. Criteria: ARUP Molecular Germline Variant Investigation Process 2024. Collection method: clinical testing. Allele origin: germline.

Revvity Omics, Revvity
Classification: Uncertain significance. Last evaluated: 2023-08-22. Review status: criteria provided, single submitter. Criteria: ACMG Guidelines, 2015. Collection method: clinical testing. Allele origin: germline.

Ambry Genetics
Classification: Likely benign for Inborn genetic diseases. Last evaluated: 2022-09-19. Review status: criteria provided, single submitter. Criteria: Ambry Variant Classification Scheme 2023. Collection method: clinical testing. Allele origin: germline.

Labcorp Genetics (formerly Invitae), Labcorp
Classification: Uncertain significance for Glutathione synthetase deficiency with 5-oxoprolinuria. Last evaluated: 2021-09-24. Review status: criteria provided, single submitter. Criteria: Invitae Variant Classification Sherloc (09022015). Collection method: clinical testing. Allele origin: germline.
Comment: This sequence change replaces glycine with serine at codon 200 of the GSS protein (p.Gly200Ser). The glycine residue is moderately conserved and there is a small physicochemical difference between glycine and serine. This variant is present in population databases (rs193267972, ExAC 0.1%). This variant has not been reported in the literature in individuals with GSS-related conditions. Algorithms developed to predict the effect of missense changes on protein structure and function are either unavailable or do not agree on the potential impact of this missense change (SIFT: "Tolerated"; PolyPhen-2: "Probably Damaging"; Align-GVGD: "Class C0"). In summary, the available evidence is currently insufficient to determine the role of this variant in disease. Therefore, it has been classified as a Variant of Uncertain Significance.

NM_000178.4(GSS):c.598G>A (p.Gly200Ser)

Gene: GSS (glutathione synthetase; minus strand). Cytogenetic location: 20q11.22.
Variant type: single nucleotide variant.
Coding change: c.598G>A on transcript NM_000178.4 (MANE Select); coding-DNA position 598, G replaced by A.
Protein change: p.Gly200Ser; replaces glycine 200 with serine.
Molecular consequence: missense variant.
Genome position (GRCh38, 1-based): chr20:34,941,723, C>T on the plus strand (G>A on the coding strand, the complement: GSS is on the minus strand). VCF-style: chr20-34941723-C-T. GRCh37 (hg19) VCF-style: chr20-33529526-C-T.
Other names: c.598G>A, p.Gly200Ser (NM_001322494.1, NM_001322495.1); c.598G>A (NM_000178.2); short protein forms G200S.
Identifiers: ClinVar variation 1474218 (VCV001474218.8), dbSNP rs193267972, ClinGen allele CA9826043.